The following is an entry in ClinVar:

ClinVar aggregate classification (germline): Uncertain significance (1 of 4 stars; one submission).

Conditions:
Hereditary cancer-predisposing syndrome. Also called: Hereditary Cancer Syndrome; Hereditary neoplastic syndrome; Neoplastic Syndromes, Hereditary; Tumor predisposition. Identifiers: Orphanet 140162, MedGen C0027672, MeSH D009386, MONDO:0015356.

Submission:

Ambry Genetics
Classification: Uncertain significance for Hereditary cancer-predisposing syndrome. Last evaluated: 2022-02-06. Review status: criteria provided, single submitter. Criteria: Ambry Variant Classification Scheme 2023. Collection method: clinical testing. Allele origin: germline.
Comment: The p.H154R variant (also known as c.461A>G), located in coding exon 3 of the STK11 gene, results from an A to G substitution at nucleotide position 461. The histidine at codon 154 is replaced by arginine, an amino acid with highly similar properties. This amino acid position is conserved. In addition, the in silico prediction for this alteration is inconclusive. Since supporting evidence is limited at this time, the clinical significance of this alteration remains unclear.

NM_000455.5(STK11):c.461A>G (p.His154Arg)

Gene: STK11 (serine/threonine kinase 11; plus strand). Cytogenetic location: 19p13.3.
Variant type: single nucleotide variant.
Coding change: c.461A>G on transcript NM_000455.5 (MANE Select); coding-DNA position 461, A replaced by G.
Protein change: p.His154Arg; replaces histidine 154 with arginine.
Molecular consequence: missense variant.
Genome position (GRCh38, 1-based): chr19:1,219,410, A>G. VCF-style: chr19-1219410-A-G. GRCh37 (hg19) VCF-style: chr19-1219409-A-G.
Other names: c.461A>G, p.His154Arg (NM_001407255.1); short protein forms H154R.
Identifiers: ClinVar variation 1741938 (VCV001741938.2), dbSNP rs2145422523, ClinGen allele CA402948390.